The following is an entry in ClinVar:

NM_000352.6(ABCC8):c.4545+2T>G

Gene: ABCC8 (ATP binding cassette subfamily C member 8; minus strand). Cytogenetic location: 11p15.1.
Variant type: single nucleotide variant.
Coding change: c.4545+2T>G on transcript NM_000352.6 (MANE Select); the canonical splice donor site of the intron after coding-DNA position 4545, T replaced by G.
Molecular consequence: splice donor variant.
Genome position (GRCh38, 1-based): chr11:17,394,264, A>C on the plus strand (T>G on the coding strand, the complement: ABCC8 is on the minus strand). VCF-style: chr11-17394264-A-C. GRCh37 (hg19) VCF-style: chr11-17415811-A-C.
Other names: c.4548+2T>G (NM_001287174.3); c.4545+2T>G (NM_000352.4, NM_001351296.2); c.4542+2T>G (NM_001351297.2); c.4611+2T>G (NM_001351295.2).
Identifiers: ClinVar variation 556006 (VCV000556006.4), dbSNP rs1554904006, ClinGen allele CA379782608.

ClinVar aggregate classification (germline): Conflicting classifications of pathogenicity. Review status: criteria provided, conflicting classifications (1 of 4 stars). 4 submissions from 3 submitters: Likely pathogenic (1); Uncertain significance (2). 1 of the submissions does not count toward it. Last evaluated 2024-09-20.

Conditions:
Transitory neonatal diabetes mellitus. Also called: Transient neonatal diabetes mellitus. Identifiers: MedGen C0342273, MONDO:0020525, HP:0008255.
Maturity-onset diabetes of the young (MODY). Also called: Maturity onset diabetes mellitus in young. Identifiers: Orphanet 552, MedGen C0342276, MONDO:0018911, HP:0004904.
Hereditary hyperinsulinism.
Hyperinsulinemic hypoglycemia, familial, 1 (HHF1). Also called: Persistent hyperinsulinemic hypoglycemia of infancy; HYPERINSULINISM, FAMILIAL, WITH PANCREATIC NESIDIOBLASTOSIS; HYPOGLYCEMIA, HYPERINSULINEMIC, OF INFANCY; NESIDIOBLASTOSIS OF PANCREAS; Persistent Hyperinsulinemia Hypoglycemia of Infancy. Identifiers: Orphanet 276575, Orphanet 276598, MedGen C2931832, MONDO:0009734, OMIM 256450.

Submissions (4):

Natera, Inc.
Classification: Likely pathogenic for Hereditary hyperinsulinism. Last evaluated: 2024-09-20. Review status: criteria provided, single submitter. Criteria: Natera Variant Classification Schema (03/2026). Collection method: clinical testing. Allele origin: germline.
Comment: The c.4545+2T>G variant in ABCC8 is a canonical splice donor site variant predicted to affect pre-mRNA splicing, which may result in an abnormal transcript and altered protein product. This variant is expected to result in nonsense mediated decay, truncation, or a dysfunctional protein product. This variant is rare in the general population with a frequency below the threshold expected for the associated phenotype(s). Given the available evidence, this variant is classified as Likely Pathogenic.

Clinical Genomics, Uppaluri K&H Personalized Medicine Clinic
Classification: Uncertain significance for Transitory neonatal diabetes mellitus. Review status: criteria provided, single submitter. Criteria: K & H Uppaluri Personalized Medicine Clinic Variant Classification & Assertion Criteria_Updated V.1. Collection method: research. Allele origin: somatic. Inheritance: Somatic mutation.
Comment: Mutations in ABCC8 gene are associated with both neonatal diabetes mellitus as well as MODY. Patients with this mutation may have a better response to sulfonylureas. However, no sufficient evidence is found to ascertain the role of this particular variant ( rs1554904006 ) in neonatal diabetes yet.

Clinical Genomics, Uppaluri K&H Personalized Medicine Clinic
Classification: Uncertain significance for Maturity-onset diabetes of the young. Review status: criteria provided, single submitter. Criteria: K & H Uppaluri Personalized Medicine Clinic Variant Classification & Assertion Criteria_Updated V.1. Collection method: research. Allele origin: somatic. Inheritance: Somatic mutation.
Comment: Mutations in ABCC8 gene are associated with both neonatal diabetes mellitus as well as MODY. Patients with this mutation may have a better response to sulfonylureas. However, no sufficient evidence is found to ascertain the role of this particular variant ( rs1554904006) in MODY yet.

Counsyl
Classification: Likely pathogenic for Hyperinsulinemic hypoglycemia, familial, 1. Last evaluated: 2018-01-05. Review status: no assertion criteria provided. Collection method: clinical testing. Allele origin: unknown. Not counted in ClinVar's aggregate classification.

Literature cited by the submitters: PubMed 16885549 (cited by Clinical Genomics, Uppaluri K&H Personalized Medicine Clinic); PubMed 21989597 (cited by Clinical Genomics, Uppaluri K&H Personalized Medicine Clinic); PubMed 27538677 (cited by Clinical Genomics, Uppaluri K&H Personalized Medicine Clinic); PubMed 18981553 (cited by Clinical Genomics, Uppaluri K&H Personalized Medicine Clinic); PubMed 32027066 (cited by Clinical Genomics, Uppaluri K&H Personalized Medicine Clinic); PubMed 16613899 (cited by Clinical Genomics, Uppaluri K&H Personalized Medicine Clinic); PubMed 18025408 (cited by Clinical Genomics, Uppaluri K&H Personalized Medicine Clinic); PubMed 32792356 (cited by Clinical Genomics, Uppaluri K&H Personalized Medicine Clinic).